The following is an entry in ClinVar:

ClinVar aggregate classification (germline): Uncertain significance. Review status: criteria provided, multiple submitters, no conflicts (2 of 4 stars). 2 submissions from 2 submitters: Uncertain significance (2). Last evaluated 2024-12-10.

Conditions:
Generalized epilepsy-paroxysmal dyskinesia syndrome (PNKD3). Also called: Paroxysmal nonkinesigenic dyskinesia, 3, with or without generalized epilepsy; Generalized epilepsy and paroxysmal dyskinesia. Identifiers: Orphanet 79137, MedGen C5574945, MONDO:0012276, OMIM 609446.

Allele frequency attached by ClinVar (database versions not stated): gnomAD exomes below 0.00001; gnomAD 0.00001; TOPMed 0.00001.

Submissions (2):

Labcorp Genetics (formerly Invitae), Labcorp
Classification: Uncertain significance for Generalized epilepsy-paroxysmal dyskinesia syndrome. Last evaluated: 2024-12-10. Review status: criteria provided, single submitter. Criteria: Invitae Variant Classification Sherloc (09022015). Collection method: clinical testing. Allele origin: germline.
Comment: This sequence change replaces alanine, which is neutral and non-polar, with threonine, which is neutral and polar, at codon 991 of the KCNMA1 protein (p.Ala991Thr). This variant is present in population databases (rs199586877, gnomAD 0.01%). This variant has not been reported in the literature in individuals affected with KCNMA1-related conditions. ClinVar contains an entry for this variant (Variation ID: 1043988). An algorithm developed to predict the effect of missense changes on protein structure and function (PolyPhen-2) suggests that this variant is likely to be disruptive. In summary, the available evidence is currently insufficient to determine the role of this variant in disease. Therefore, it has been classified as a Variant of Uncertain Significance.

GeneDx
Classification: Uncertain significance. Last evaluated: 2024-09-24. Review status: criteria provided, single submitter. Criteria: GeneDx Variant Classification Process June 2021. Collection method: clinical testing. Allele origin: germline. Affected: yes.
Comment: In silico analysis indicates that this missense variant does not alter protein structure/function; Has not been previously published as pathogenic or benign to our knowledge

NM_001161352.2(KCNMA1):c.3145G>A (p.Ala1049Thr)

Genes: KCNMA1 (potassium calcium-activated channel subfamily M alpha 1; minus strand), KCNMA1-AS1 (KCNMA1 antisense RNA 1; plus strand). Cytogenetic location: 10q22.3.
Variant type: single nucleotide variant.
Coding change: c.3145G>A on transcript NM_001161352.2 (MANE Select); coding-DNA position 3145, G replaced by A.
Protein change: p.Ala1049Thr; replaces alanine 1049 with threonine.
Molecular consequence: missense variant.
Genome position (GRCh38, 1-based): chr10:76,909,968, C>T on the plus strand (G>A on the coding strand, the complement: KCNMA1 is on the minus strand). VCF-style: chr10-76909968-C-T. GRCh37 (hg19) VCF-style: chr10-78669726-C-T.
Other names: c.2971G>A (NM_002247.3); c.2983G>A, p.Ala995Thr (NM_001014797.3); c.3094G>A, p.Ala1032Thr (NM_001161353.2); c.2821G>A, p.Ala941Thr (NM_001271518.2); c.3061G>A, p.Ala1021Thr (NM_001271519.2); c.2980G>A, p.Ala994Thr (NM_001322829.2, NM_001322836.2); c.3073G>A, p.Ala1025Thr (NM_001322830.2); c.2971G>A, p.Ala991Thr (NM_001322832.2, NM_002247.4); and 2 more; short protein forms A1022T, A1032T, A994T, A995T, A1021T, A1025T, A941T, A840T.
Identifiers: ClinVar variation 1043988 (VCV001043988.8), dbSNP rs199586877, ClinGen allele CA210078847.